The following is an entry in ClinVar:

NM_001136271.3(NKX2-6):c.276G>A (p.Gln92=)

Gene: NKX2-6 (NK2 homeobox 6; minus strand). Cytogenetic location: 8p21.2.
Variant type: single nucleotide variant.
Coding change: c.276G>A on transcript NM_001136271.3 (MANE Select); coding-DNA position 276, G replaced by A.
Protein change: p.Gln92=; no amino-acid change (glutamine 92 retained).
Molecular consequence: synonymous variant.
Genome position (GRCh38, 1-based): chr8:23,703,081, C>T on the plus strand (G>A on the coding strand, the complement: NKX2-6 is on the minus strand). VCF-style: chr8-23703081-C-T. GRCh37 (hg19) VCF-style: chr8-23560594-C-T.
Identifiers: ClinVar variation 534674 (VCV000534674.12), dbSNP rs768775204, ClinGen allele CA4677997.

ClinVar aggregate classification (germline): Conflicting classifications of pathogenicity. Review status: criteria provided, conflicting classifications (1 of 4 stars). 3 submissions from 3 submitters: Uncertain significance (1); Likely benign (1). 1 of the submissions does not count toward it. Last evaluated 2025-11-27.

Conditions:
NKX2-6-related disorder. Also called: NKX2-6-related condition.
Conotruncal heart malformations (CTHM). Also called: Conotruncal heart malformations, variable. Identifiers: Orphanet 2445, Orphanet 3384, Orphanet 3426, MedGen C1857586, MONDO:0016581, OMIM 217095.

Allele frequency attached by ClinVar (database versions not stated): gnomAD 0.00008 and 0.00009; ExAC 0.00009; TOPMed 0.00010; gnomAD exomes 0.00013 and 0.00015.

Submissions (3):

Labcorp Genetics (formerly Invitae), Labcorp
Classification: Likely benign for Conotruncal heart malformations. Last evaluated: 2025-11-27. Review status: criteria provided, single submitter. Criteria: Invitae Variant Classification Sherloc (09022015). Collection method: clinical testing. Allele origin: germline.

Revvity Omics, Revvity
Classification: Uncertain significance for Conotruncal heart malformations. Last evaluated: 2019-05-27. Review status: criteria provided, single submitter. Criteria: ACMG Guidelines, 2015. Collection method: clinical testing. Allele origin: germline.

PreventionGenetics, part of Exact Sciences
Classification: Likely benign for NKX2-6-related condition. Last evaluated: 2021-06-28. Review status: no assertion criteria provided. Collection method: clinical testing. Allele origin: germline. Not counted in ClinVar's aggregate classification.
Comment: This variant is classified as likely benign based on ACMG/AMP sequence variant interpretation guidelines (Richards et al. 2015 PMID: 25741868, with internal and published modifications).